The following is an entry in ClinVar:

ClinVar aggregate classification (germline): Uncertain significance (1 of 4 stars; one submission).

Conditions:
Bethlem myopathy 2 (BTHLM2). Identifiers: Orphanet 536516, Orphanet 610, MedGen C4225313, MONDO:0034022, OMIM 616471.
Ullrich congenital muscular dystrophy 2 (UCMD2). Identifiers: Orphanet 75840, MedGen C4225314, MONDO:0014654, OMIM 616470.

Allele frequency attached by ClinVar (database versions not stated): ExAC 0.00003; gnomAD exomes 0.00004; TOPMed 0.00001.

Submission:

Labcorp Genetics (formerly Invitae), Labcorp
Classification: Uncertain significance for Bethlem myopathy 2; Ullrich congenital muscular dystrophy 2. Last evaluated: 2025-09-22. Review status: criteria provided, single submitter. Criteria: Invitae Variant Classification Sherloc (09022015). Collection method: clinical testing. Allele origin: germline.
Comment: This sequence change affects codon 2022 of the COL12A1 mRNA. It is a 'silent' change, meaning that it does not change the encoded amino acid sequence of the COL12A1 protein. It affects a nucleotide within the consensus splice site. This variant is present in population databases (rs754929219, gnomAD 0.03%). This variant has not been reported in the literature in individuals affected with COL12A1-related conditions. ClinVar contains an entry for this variant (Variation ID: 639750). Algorithms developed to predict the effect of sequence changes on RNA splicing suggest that this variant is not likely to affect RNA splicing. In summary, the available evidence is currently insufficient to determine the role of this variant in disease. Therefore, it has been classified as a Variant of Uncertain Significance.

NM_004370.6(COL12A1):c.6066G>A (p.Thr2022=)

Gene: COL12A1 (collagen type XII alpha 1 chain; minus strand). Cytogenetic location: 6q13.
Variant type: single nucleotide variant.
Coding change: c.6066G>A on transcript NM_004370.6 (MANE Select); coding-DNA position 6066, G replaced by A.
Protein change: p.Thr2022=; no amino-acid change (threonine 2022 retained).
Molecular consequence: synonymous variant.
Genome position (GRCh38, 1-based): chr6:75,130,853, C>T on the plus strand (G>A on the coding strand, the complement: COL12A1 is on the minus strand). VCF-style: chr6-75130853-C-T. GRCh37 (hg19) VCF-style: chr6-75840569-C-T.
Other names: c.2574G>A, p.Thr858= (NM_080645.3).
Identifiers: ClinVar variation 639750 (VCV000639750.9), dbSNP rs754929219, ClinGen allele CA3892917.